The following is an entry in ClinVar:

ClinVar aggregate classification (germline): Uncertain significance (1 of 4 stars; one submission).

Allele frequency attached by ClinVar (database versions not stated): gnomAD exomes below 0.00001.
gnomAD v4.1: 1 of 1,587,268 alleles (0.000063%); highest among the groups gnomAD compares: Admixed American, 0.0018%; no homozygotes.

Submission:

Labcorp Genetics (formerly Invitae), Labcorp
Classification: Uncertain significance. Last evaluated: 2024-04-10. Review status: criteria provided, single submitter. Criteria: Invitae Variant Classification Sherloc (09022015). Collection method: clinical testing. Allele origin: germline.
Comment: This sequence change replaces proline, which is neutral and non-polar, with serine, which is neutral and polar, at codon 463 of the COL10A1 protein (p.Pro463Ser). This variant is present in population databases (no rsID available, gnomAD 0.003%). This variant has not been reported in the literature in individuals affected with COL10A1-related conditions. Advanced modeling of protein sequence and biophysical properties (such as structural, functional, and spatial information, amino acid conservation, physicochemical variation, residue mobility, and thermodynamic stability) performed at Invitae indicates that this missense variant is not expected to disrupt COL10A1 protein function with a negative predictive value of 80%. In summary, the available evidence is currently insufficient to determine the role of this variant in disease. Therefore, it has been classified as a Variant of Uncertain Significance.

NM_000493.4(COL10A1):c.1387C>T (p.Pro463Ser)

Genes: COL10A1 (collagen type X alpha 1 chain; minus strand), NT5DC1 (5'-nucleotidase domain containing 1; plus strand). Cytogenetic location: 6q22.1.
Variant type: single nucleotide variant.
Coding change: c.1387C>T on transcript NM_000493.4 (MANE Select); coding-DNA position 1387, C replaced by T.
Protein change: p.Pro463Ser; replaces proline 463 with serine.
Molecular consequence: missense variant. On other transcripts: intron variant (1).
Genome position (GRCh38, 1-based): chr6:116,120,729, G>A on the plus strand (C>T on the coding strand, the complement: COL10A1 is on the minus strand). VCF-style: chr6-116120729-G-A. GRCh37 (hg19) VCF-style: chr6-116441892-G-A.
Other names: c.529+2784G>A (NM_152729.3); c.1387C>T, p.Pro463Ser (NM_001424106.1, NM_001424107.1); short protein forms P463S.
Identifiers: ClinVar variation 3002922 (VCV003002922.3), dbSNP rs1284288939, ClinGen allele CA365388336.